The following is an entry in ClinVar:

NM_002471.4(MYH6):c.1555C>A (p.Gln519Lys)

Gene: MYH6 (myosin heavy chain 6; minus strand). Cytogenetic location: 14q11.2.
Variant type: single nucleotide variant.
Coding change: c.1555C>A on transcript NM_002471.4 (MANE Select); coding-DNA position 1555, C replaced by A.
Protein change: p.Gln519Lys; replaces glutamine 519 with lysine.
Molecular consequence: missense variant.
Genome position (GRCh38, 1-based): chr14:23,400,282, G>T on the plus strand (C>A on the coding strand, the complement: MYH6 is on the minus strand). VCF-style: chr14-23400282-G-T. GRCh37 (hg19) VCF-style: chr14-23869491-G-T.
Other names: short protein forms Q519K.
Identifiers: ClinVar variation 2704075 (VCV002704075.3), dbSNP rs2502191405, ClinGen allele CA389022298.
Genomic context (GRCh38, chr14:23,400,282, plus strand): 5'-GGAGGGGGCATAGGTGGTGAGGCCAAGGAGGCACCTTCTCGATGAGGTCAATGCAGGCCT[G>T]CAGGTCCATGCCAAAGTCAATGAATGTCCACTCAATGCCCTCCTTCTTGTACTCCTCCTG-3'
Protein context (NP_002462.2, residues 509-529): WTFIDFGMDL[Gln519Lys]ACIDLIEKPM

ClinVar aggregate classification (germline): Uncertain significance (1 of 4 stars; one submission).

Conditions:
Hypertrophic cardiomyopathy 14. Identifiers: MedGen C2750467, MONDO:0013197, OMIM 613251.

Submission:

Labcorp Genetics (formerly Invitae), Labcorp
Classification: Uncertain significance for Hypertrophic cardiomyopathy 14. Last evaluated: 2023-12-19. Review status: criteria provided, single submitter. Criteria: Invitae Variant Classification Sherloc (09022015). Collection method: clinical testing. Allele origin: germline.
Comment: This sequence change replaces glutamine, which is neutral and polar, with lysine, which is basic and polar, at codon 519 of the MYH6 protein (p.Gln519Lys). This variant is not present in population databases (gnomAD no frequency). This variant has not been reported in the literature in individuals affected with MYH6-related conditions. Advanced modeling of protein sequence and biophysical properties (such as structural, functional, and spatial information, amino acid conservation, physicochemical variation, residue mobility, and thermodynamic stability) performed at Invitae indicates that this missense variant is not expected to disrupt MYH6 protein function with a negative predictive value of 80%. In summary, the available evidence is currently insufficient to determine the role of this variant in disease. Therefore, it has been classified as a Variant of Uncertain Significance.